The following is an entry in ClinVar:

NM_000260.4(MYO7A):c.6223G>A (p.Asp2075Asn)

Gene: MYO7A (myosin VIIA; plus strand). Cytogenetic location: 11q13.5.
Variant type: single nucleotide variant.
Coding change: c.6223G>A on transcript NM_000260.4 (MANE Select); coding-DNA position 6223, G replaced by A.
Protein change: p.Asp2075Asn; replaces aspartic acid 2075 with asparagine.
Molecular consequence: missense variant.
Genome position (GRCh38, 1-based): chr11:77,211,323, G>A. VCF-style: chr11-77211323-G-A. GRCh37 (hg19) VCF-style: chr11-76922368-G-A.
Other names: c.6109G>A, p.Asp2037Asn (NM_001127180.2); c.6076G>A, p.Asp2026Asn (NM_001369365.1); short protein forms D2026N, D2037N, D2075N.
Identifiers: ClinVar variation 1525673 (VCV001525673.5), dbSNP rs2135785843, ClinGen allele CA381936293.

ClinVar aggregate classification (germline): Uncertain significance (1 of 4 stars; one submission).

gnomAD v4.1: 1 of 1,582,072 alleles (0.000063%); highest among the groups gnomAD compares: Non-Finnish European, 0.000086%; no homozygotes.

Submission:

Labcorp Genetics (formerly Invitae), Labcorp
Classification: Uncertain significance. Last evaluated: 2022-08-09. Review status: criteria provided, single submitter. Criteria: Invitae Variant Classification Sherloc (09022015). Collection method: clinical testing. Allele origin: germline.
Comment: This sequence change replaces aspartic acid, which is acidic and polar, with asparagine, which is neutral and polar, at codon 2075 of the MYO7A protein (p.Asp2075Asn). This variant is not present in population databases (gnomAD no frequency). This variant has not been reported in the literature in individuals affected with MYO7A-related conditions. ClinVar contains an entry for this variant (Variation ID: 1525673). Advanced modeling of protein sequence and biophysical properties (such as structural, functional, and spatial information, amino acid conservation, physicochemical variation, residue mobility, and thermodynamic stability) performed at Invitae indicates that this missense variant is not expected to disrupt MYO7A protein function. In summary, the available evidence is currently insufficient to determine the role of this variant in disease. Therefore, it has been classified as a Variant of Uncertain Significance.